The following is an entry in ClinVar:

ClinVar aggregate classification (germline): Uncertain significance (1 of 4 stars; one submission).

Allele frequency attached by ClinVar (database versions not stated): gnomAD exomes below 0.00001.
gnomAD v4.1: 1 of 1,613,776 alleles (0.000062%); highest among the groups gnomAD compares: East Asian, 0.0022%; no homozygotes.

Submission:

GeneDx
Classification: Uncertain significance. Last evaluated: 2024-03-06. Review status: criteria provided, single submitter. Criteria: GeneDx Variant Classification Process June 2021. Collection method: clinical testing. Allele origin: germline.
Comment: Not observed at significant frequency in large population cohorts (gnomAD); In silico analysis supports that this missense variant does not alter protein structure/function; Has not been previously published as pathogenic or benign to our knowledge

NM_001321075.3(DLG4):c.1795A>G (p.Ile599Val)

Gene: DLG4 (discs large MAGUK scaffold protein 4; minus strand). Cytogenetic location: 17p13.1.
Variant type: single nucleotide variant.
Coding change: c.1795A>G on transcript NM_001321075.3 (MANE Select); coding-DNA position 1795, A replaced by G.
Protein change: p.Ile599Val; replaces isoleucine 599 with valine.
Molecular consequence: missense variant. On other transcripts: non-coding transcript variant (1).
Genome position (GRCh38, 1-based): chr17:7,193,016, T>C on the plus strand (A>G on the coding strand, the complement: DLG4 is on the minus strand). VCF-style: chr17-7193016-T-C. GRCh37 (hg19) VCF-style: chr17-7096335-T-C.
Other names: c.1786A>G, p.Ile596Val (NM_001128827.4); c.1915A>G, p.Ile639Val (NM_001321074.1); c.1615A>G, p.Ile539Val (NM_001321076.3, NM_001321077.3); c.1924A>G, p.Ile642Val (NM_001365.5); c.1714A>G, p.Ile572Val (NM_001369566.3); short protein forms I539V, I572V, I596V, I599V, I639V, I642V.
Identifiers: ClinVar variation 2663407 (VCV002663407.2), dbSNP rs2507918482, ClinGen allele CA397714737.
Genomic context (GRCh38, chr17:7,193,016, plus strand): 5'-CCTCTCGCACGGACTGGACGCTGGTCCCATAGAGGTGGCTGTTGTACTGGCCGGCCTCAA[T>C]GAACTTGTGCGCCTGAATGTCCTTCTCCATTTTCTCCCGGGACGACACAAAGTGGTAATC-3'
Protein context (NP_001308004.1, residues 589-609): MEKDIQAHKF[Ile599Val]EAGQYNSHLY